The following is an entry in ClinVar:

NM_003659.4(AGPS):c.115C>T (p.Arg39Trp)

Genes: AGPS (alkylglycerone phosphate synthase; plus strand), LOC129935172 (ATAC-STARR-seq lymphoblastoid silent region 12147; plus strand). Cytogenetic location: 2q31.2.
Variant type: single nucleotide variant.
Coding change: c.115C>T on transcript NM_003659.4 (MANE Select); coding-DNA position 115, C replaced by T.
Protein change: p.Arg39Trp; replaces arginine 39 with tryptophan.
Molecular consequence: missense variant.
Genome position (GRCh38, 1-based): chr2:177,392,904, C>T. VCF-style: chr2-177392904-C-T. GRCh37 (hg19) VCF-style: chr2-178257632-C-T.
Other names: short protein forms R39W.
Identifiers: ClinVar variation 1517676 (VCV001517676.3), dbSNP rs765185697, ClinGen allele CA1980009.

ClinVar aggregate classification (germline): Uncertain significance (1 of 4 stars; one submission).

Allele frequency attached by ClinVar (database versions not stated): gnomAD exomes 0.00003; ExAC 0.00008; gnomAD 0.00009; 1000 Genomes Project 30x 0.00016; TOPMed 0.00028.

Submission:

Labcorp Genetics (formerly Invitae), Labcorp
Classification: Uncertain significance. Last evaluated: 2022-09-07. Review status: criteria provided, single submitter. Criteria: Invitae Variant Classification Sherloc (09022015). Collection method: clinical testing. Allele origin: germline.
Comment: This sequence change replaces arginine, which is basic and polar, with tryptophan, which is neutral and slightly polar, at codon 39 of the AGPS protein (p.Arg39Trp). This variant is present in population databases (rs765185697, gnomAD 0.004%). This variant has not been reported in the literature in individuals affected with AGPS-related conditions. ClinVar contains an entry for this variant (Variation ID: 1517676). Algorithms developed to predict the effect of missense changes on protein structure and function are either unavailable or do not agree on the potential impact of this missense change (SIFT: "Deleterious"; PolyPhen-2: "Possibly Damaging"; Align-GVGD: "Class C0"). Algorithms developed to predict the effect of sequence changes on RNA splicing suggest that this variant may create or strengthen a splice site. In summary, the available evidence is currently insufficient to determine the role of this variant in disease. Therefore, it has been classified as a Variant of Uncertain Significance.